The following is an entry in ClinVar:

NM_000256.3(MYBPC3):c.3335_3337dup (p.Trp1112dup)

Gene: MYBPC3 (myosin binding protein C3; minus strand). Cytogenetic location: 11p11.2.
Variant type: Duplication.
Coding change: c.3335_3337dup on transcript NM_000256.3 (MANE Select); coding-DNA positions 3335 to 3337, 3 bases duplicated (GGT; older notation c.3335_3337dupGGT).
Protein change: p.Trp1112dup; duplicates tryptophan 1112.
Molecular consequence: inframe insertion.
Genome position (GRCh38, 1-based): chr11:47,332,967-47,332,969, ACC duplicated on the plus strand (GGT on the coding strand, the reverse complement: MYBPC3 is on the minus strand); duplicating any 3 consecutive bases within chr11:47,332,967-47,332,971 gives the same sequence; the c. name uses the placement nearest the transcript's 3' end. VCF-style (leftmost placement, unchanged base first): chr11-47332966-A-AACC. GRCh37 (hg19) VCF-style: chr11-47354517-A-AACC.
Other names: c.3335_3337dup, p.Trp1112dup (LRG_386t1); c.3335_3337dupGGT (NM_000256.3).
Identifiers: ClinVar variation 181101 (VCV000181101.14), dbSNP rs730880673, ClinGen allele CA296435.

ClinVar aggregate classification (germline): Uncertain significance. Review status: criteria provided, multiple submitters, no conflicts (2 of 4 stars). 5 submissions from 5 submitters: Uncertain significance (5). Last evaluated 2025-11-06.

Conditions:
Cardiovascular phenotype. Identifiers: MedGen CN230736.
Cardiomyopathy (CMYO). Also called: Cardiomyopathies. Identifiers: Orphanet 167848, MedGen C0878544, MONDO:0004994, HP:0001638. Inheritance: Various modes of inheritance.
Hypertrophic cardiomyopathy. Also called: HYPERTROPHIC MYOCARDIOPATHY. Identifiers: Orphanet 217569, MedGen C0007194, MeSH D002312, MONDO:0005045, HP:0001639.

Submissions (5):

Color Diagnostics, LLC DBA Color Health
Classification: Uncertain significance for Cardiomyopathy. Last evaluated: 2025-11-06. Review status: criteria provided, single submitter. Criteria: ACMG Guidelines, 2015. Collection method: clinical testing. Allele origin: germline.
Comment: This variant causes an in-frame duplication of one amino acid at exon 31 of the MYBPC3 protein. To our knowledge, functional studies have not been reported for this variant. This variant has been reported in an individual affected with hypertrophic cardiomyopathy and this proband's brother with sudden unexpected death. Both siblings carried a known pathogenic variant in the MYBPC3 gene in trans (PMID: 28790153). This variant has been identified in 8/1609792 chromosomes in the general population by the Genome Aggregation Database (gnomAD). The available evidence is insufficient to determine the role of this variant in disease conclusively. Therefore, this variant is classified as a Variant of Uncertain Significance.

Ambry Genetics
Classification: Uncertain significance for Cardiovascular phenotype. Last evaluated: 2025-05-22. Review status: criteria provided, single submitter. Criteria: Ambry Variant Classification Scheme 2023. Collection method: clinical testing. Allele origin: germline.
Comment: The c.3335_3337dupGGT variant (also known as p.W1112dup), located in coding exon 31 of the MYBPC3 gene, results from an in-frame duplication of GGT at nucleotide positions 3335 to 3337. This results in the duplication of an extra residue between codons 1112 and 1113. This variant was reported in individual(s) with features consistent with hypertrophic cardiomyopathy (HCM) (Lopes LR et al. J Med Genet, 2013 Apr;50:228-39; Ambry internal data). This amino acid position is highly conserved in available vertebrate species. In addition, this variant is predicted to be deleterious by in silico analysis (Choi Y et al. PLoS ONE. 2012; 7(10):e46688). Based on the available evidence, the clinical significance of this variant remains unclear.

Labcorp Genetics (formerly Invitae), Labcorp
Classification: Uncertain significance for Hypertrophic cardiomyopathy. Last evaluated: 2025-05-14. Review status: criteria provided, single submitter. Criteria: Invitae Variant Classification Sherloc (09022015). Collection method: clinical testing. Allele origin: germline.
Comment: This variant, c.3335_3337dup, results in the insertion of 1 amino acid(s) of the MYBPC3 protein (p.Trp1112dup), but otherwise preserves the integrity of the reading frame. This variant is present in population databases (rs730880673, gnomAD 0.002%). This variant has been observed in individual(s) with hypertrophic cardiomyopathy (PMID: 28790153). ClinVar contains an entry for this variant (Variation ID: 181101). Experimental studies and prediction algorithms are not available or were not evaluated, and the functional significance of this variant is currently unknown. In summary, the available evidence is currently insufficient to determine the role of this variant in disease. Therefore, it has been classified as a Variant of Uncertain Significance.

All of Us Research Program, National Institutes of Health
Classification: Uncertain significance for Hypertrophic cardiomyopathy. Last evaluated: 2023-08-15. Review status: criteria provided, single submitter. Criteria: ACMG Guidelines, 2015. Collection method: clinical testing. Allele origin: germline. Inheritance: Autosomal dominant inheritance. Observed: 1 variant allele, 1 heterozygote.
Comment: This variant causes an in-frame duplication of one amino acid at exon 31 of the MYBPC3 protein. To our knowledge, functional studies have not been reported for this variant. This variant has been reported in compound heterozygous state with a different pathogenic variant in the MYBPC3 gene in two related individuals, one affected with hypertrophic cardiomyopathy and one affected with sudden death (PMID: 28790153). This variant has been identified in 3/239746 chromosomes in the general population by the Genome Aggregation Database (gnomAD). The available evidence is insufficient to determine the role of this variant in disease conclusively. Therefore, this variant is classified as a Variant of Uncertain Significance.

This study involves interpretation of variants in research participants for the purpose of population health screening. Participant phenotype was not available at the time of variant classification. Additional details can be found in publication PMID: 35346344, PMCID: PMC8962531

GeneDx
Classification: Uncertain significance for Cardiomyopathy. Last evaluated: 2012-09-19. Review status: criteria provided, single submitter. Criteria: GeneDx Variant Classification (06012015). Collection method: clinical testing. Allele origin: germline. Affected: yes.
Comment: c.3335_3337dupGGT: p.Trp1112dup (W1112dup) in exon 31 of the MYBPC3 gene (NM_000256.3). The normal sequence with the bases inserted in braces is: TGGT{GGT}TCAC.The c.3335_3337dupGGT variant in the MYBPC3 gene has not been reported as a disease-causing mutation or as a benign polymorphism to our knowledge. The c.3335_3337dupGGT variant results in an in-frame duplication of a single Tryptophan residue in a region of the protein that is well conserved across species. While no single amino acid duplications in the MYBPC3 gene have been reported as disease-causing mutations, a duplication of six amino acids (c.3742_3759dup18) has been reported in association with HCM (Watkins H et al., 1995). In summary, the clinical significance of the c.3335_3337dupGGT variant in the MYBPC3 gene is currently unknown. The variant is found in HCM panel(s).

Literature cited by the submitters: PubMed 28790153 (cited by 4 submitters); PubMed 23396983 (cited by Ambry Genetics); PubMed 32841044 (cited by Ambry Genetics).